The following is an entry in ClinVar:

ClinVar aggregate classification (germline): Uncertain significance (1 of 4 stars; one submission).

Submission:

Labcorp Genetics (formerly Invitae), Labcorp
Classification: Uncertain significance. Last evaluated: 2024-10-15. Review status: criteria provided, single submitter. Criteria: Invitae Variant Classification Sherloc (09022015). Collection method: clinical testing. Allele origin: germline.
Comment: This sequence change replaces isoleucine, which is neutral and non-polar, with methionine, which is neutral and non-polar, at codon 1155 of the HMCN1 protein (p.Ile1155Met). This variant is not present in population databases (gnomAD no frequency). This variant has not been reported in the literature in individuals affected with HMCN1-related conditions. ClinVar contains an entry for this variant (Variation ID: 1490846). An algorithm developed to predict the effect of missense changes on protein structure and function (PolyPhen-2) suggests that this variant is likely to be disruptive. In summary, the available evidence is currently insufficient to determine the role of this variant in disease. Therefore, it has been classified as a Variant of Uncertain Significance.

NM_031935.3(HMCN1):c.3465T>G (p.Ile1155Met)

Gene: HMCN1 (hemicentin 1; plus strand). Cytogenetic location: 1q31.1.
Variant type: single nucleotide variant.
Coding change: c.3465T>G on transcript NM_031935.3 (MANE Select); coding-DNA position 3465, T replaced by G.
Protein change: p.Ile1155Met; replaces isoleucine 1155 with methionine.
Molecular consequence: missense variant.
Genome position (GRCh38, 1-based): chr1:185,993,269, T>G. VCF-style: chr1-185993269-T-G. GRCh37 (hg19) VCF-style: chr1-185962401-T-G.
Other names: short protein forms I1155M.
Identifiers: ClinVar variation 1490846 (VCV001490846.6), dbSNP rs2102037062, ClinGen allele CA343870107.